The following is an entry in ClinVar:

NM_002227.4(JAK1):c.2678G>A (p.Arg893Lys)

Gene: JAK1 (Janus kinase 1; minus strand). Cytogenetic location: 1p31.3.
Variant type: single nucleotide variant.
Coding change: c.2678G>A on transcript NM_002227.4 (MANE Select); coding-DNA position 2678, G replaced by A.
Protein change: p.Arg893Lys; replaces arginine 893 with lysine.
Molecular consequence: missense variant.
Genome position (GRCh38, 1-based): chr1:64,839,767, C>T on the plus strand (G>A on the coding strand, the complement: JAK1 is on the minus strand). VCF-style: chr1-64839767-C-T. GRCh37 (hg19) VCF-style: chr1-65305450-C-T.
Other names: c.2678G>A, p.Arg893Lys (NM_001320923.2, NM_001321852.2, NM_001321853.2 and 3 more transcripts); c.2675G>A, p.Arg892Lys (NM_001321857.2); short protein forms R892K, R893K.
Identifiers: ClinVar variation 1363721 (VCV001363721.6), dbSNP rs2100962981, ClinGen allele CA340665404.

ClinVar aggregate classification (germline): Uncertain significance (1 of 4 stars; one submission).

Submission:

Labcorp Genetics (formerly Invitae), Labcorp
Classification: Uncertain significance. Last evaluated: 2025-09-13. Review status: criteria provided, single submitter. Criteria: Invitae Variant Classification Sherloc (09022015). Collection method: clinical testing. Allele origin: germline.
Comment: This sequence change replaces arginine, which is basic and polar, with lysine, which is basic and polar, at codon 893 of the JAK1 protein (p.Arg893Lys). This variant is not present in population databases (gnomAD no frequency). This variant has not been reported in the literature in individuals affected with JAK1-related conditions. ClinVar contains an entry for this variant (Variation ID: 1363721). Invitae Evidence Modeling of protein sequence and biophysical properties (such as structural, functional, and spatial information, amino acid conservation, physicochemical variation, residue mobility, and thermodynamic stability) has been performed for this missense variant. However, the output from this modeling did not meet the statistical confidence thresholds required to predict the impact of this variant on JAK1 protein function. In summary, the available evidence is currently insufficient to determine the role of this variant in disease. Therefore, it has been classified as a Variant of Uncertain Significance.